The following is an entry in ClinVar:

ClinVar aggregate classification (germline): Uncertain significance (1 of 4 stars; one submission).

Conditions:
Peroxisome biogenesis disorder 7A (Zellweger). Also called: Peroxisome biogenesis disorder 7A. Identifiers: Orphanet 912, MedGen C3888385, MONDO:0013938, OMIM 614872.
Peroxisome biogenesis disorder 7B (PBD7B). Identifiers: Orphanet 44, MedGen C3553951, MONDO:0013939, OMIM 614873.

Allele frequency attached by ClinVar (database versions not stated): gnomAD exomes 0.00001.
gnomAD v4.1: 7 of 1,613,776 alleles (0.00043%); highest among the groups gnomAD compares: Middle Eastern, 0.017%; no homozygotes.

Submission:

Labcorp Genetics (formerly Invitae), Labcorp
Classification: Uncertain significance for Peroxisome biogenesis disorder 7A (Zellweger); Peroxisome biogenesis disorder 7B. Last evaluated: 2022-07-05. Review status: criteria provided, single submitter. Criteria: Invitae Variant Classification Sherloc (09022015). Collection method: clinical testing. Allele origin: germline.
Comment: This sequence change replaces glycine, which is neutral and non-polar, with serine, which is neutral and polar, at codon 223 of the PEX26 protein (p.Gly223Ser). This variant also falls at the last nucleotide of exon 4, which is part of the consensus splice site for this exon. This variant is not present in population databases (gnomAD no frequency). This variant has not been reported in the literature in individuals affected with PEX26-related conditions. ClinVar contains an entry for this variant (Variation ID: 1492160). Algorithms developed to predict the effect of missense changes on protein structure and function are either unavailable or do not agree on the potential impact of this missense change (SIFT: "Tolerated"; PolyPhen-2: "Probably Damaging"; Align-GVGD: "Class C0"). Variants that disrupt the consensus splice site are a relatively common cause of aberrant splicing (PMID: 17576681, 9536098). Algorithms developed to predict the effect of sequence changes on RNA splicing suggest that this variant may disrupt the consensus splice site. In summary, the available evidence is currently insufficient to determine the role of this variant in disease. Therefore, it has been classified as a Variant of Uncertain Significance.

Literature cited by the submitters: PubMed 17576681; PubMed 9536098.

NM_001127649.3(PEX26):c.667G>A (p.Gly223Ser)

Gene: PEX26 (peroxisomal biogenesis factor 26; plus strand). Cytogenetic location: 22q11.21.
Variant type: single nucleotide variant.
Coding change: c.667G>A on transcript NM_001127649.3 (MANE Select); coding-DNA position 667, G replaced by A.
Protein change: p.Gly223Ser; replaces glycine 223 with serine.
Molecular consequence: missense variant.
Genome position (GRCh38, 1-based): chr22:18,083,732, G>A. VCF-style: chr22-18083732-G-A. GRCh37 (hg19) VCF-style: chr22-18566498-G-A.
Other names: c.667G>A, p.Ala223Thr (NM_001199319.2); c.667G>A, p.Gly223Ser (NM_017929.6); short protein forms A223T, G223S.
Identifiers: ClinVar variation 1492160 (VCV001492160.5), dbSNP rs899632797, ClinGen allele CA321288859.